The following is an entry in ClinVar:

NM_000111.3(SLC26A3):c.2231C>T (p.Thr744Ile)

Gene: SLC26A3 (solute carrier family 26 member 3; minus strand). Cytogenetic location: 7q22.3.
Variant type: single nucleotide variant.
Coding change: c.2231C>T on transcript NM_000111.3 (MANE Select); coding-DNA position 2231, C replaced by T.
Protein change: p.Thr744Ile; replaces threonine 744 with isoleucine.
Molecular consequence: missense variant.
Genome position (GRCh38, 1-based): chr7:107,767,619, G>A on the plus strand (C>T on the coding strand, the complement: SLC26A3 is on the minus strand). VCF-style: chr7-107767619-G-A. GRCh37 (hg19) VCF-style: chr7-107408064-G-A.
Other names: c.2231C>T (NM_000111.2); short protein forms T744I.
Identifiers: ClinVar variation 1490634 (VCV001490634.8), dbSNP rs1263531170, ClinGen allele CA368849418.
Genomic context (GRCh38, chr7:107,767,619, plus strand): 5'-AACCTGTTGAAGAATCTTACCTCATATACCCGATTACGTAATCCTCCATTTGTATTTATG[G>A]TAAAATCAATTTTTCCATCTTTTTCCTGAGAAAAAGAGAATGGAAATATGGATTAGGGGC-3'
Protein context (NP_000102.1, residues 734-754): SQEKDGKIDF[Thr744Ile]INTNGGLRNR

ClinVar aggregate classification (germline): Uncertain significance. Review status: criteria provided, multiple submitters, no conflicts (2 of 4 stars). 2 submissions from 2 submitters: Uncertain significance (2). Last evaluated 2025-08-20.

Conditions:
Inborn genetic diseases. Identifiers: MedGen C0950123, MeSH D030342.

Allele frequency attached by ClinVar (database versions not stated): gnomAD exomes below 0.00001 and 0.00001.
gnomAD v4.1: 5 of 1,610,672 alleles (0.00031%); highest among the groups gnomAD compares: Non-Finnish European, 0.00042%; no homozygotes.

Submissions (2):

Ambry Genetics
Classification: Uncertain significance for Inborn genetic diseases. Last evaluated: 2025-08-20. Review status: criteria provided, single submitter. Criteria: Ambry Variant Classification Scheme 2023. Collection method: clinical testing. Allele origin: germline.

Labcorp Genetics (formerly Invitae), Labcorp
Classification: Uncertain significance. Last evaluated: 2021-04-13. Review status: criteria provided, single submitter. Criteria: Invitae Variant Classification Sherloc (09022015). Collection method: clinical testing. Allele origin: germline.
Comment: This sequence change replaces threonine with isoleucine at codon 744 of the SLC26A3 protein (p.Thr744Ile). The threonine residue is weakly conserved and there is a moderate physicochemical difference between threonine and isoleucine. This variant is not present in population databases (ExAC no frequency). This variant has not been reported in the literature in individuals with SLC26A3-related conditions. Advanced modeling of protein sequence and biophysical properties (such as structural, functional, and spatial information, amino acid conservation, physicochemical variation, residue mobility, and thermodynamic stability) performed at Invitae indicates that this missense variant is not expected to disrupt SLC26A3 protein function. In summary, the available evidence is currently insufficient to determine the role of this variant in disease. Therefore, it has been classified as a Variant of Uncertain Significance.